The following is an entry in ClinVar:

NM_005506.4(SCARB2):c.117+3G>A

Gene: SCARB2 (scavenger receptor class B member 2; minus strand). Cytogenetic location: 4q21.1.
Variant type: single nucleotide variant.
Coding change: c.117+3G>A on transcript NM_005506.4 (MANE Select); 3 bases into the intron after coding-DNA position 117, G replaced by A.
Molecular consequence: intron variant.
Genome position (GRCh38, 1-based): chr4:76,213,424, C>T on the plus strand (G>A on the coding strand, the complement: SCARB2 is on the minus strand). VCF-style: chr4-76213424-C-T. GRCh37 (hg19) VCF-style: chr4-77134577-C-T.
Other names: c.117+3G>A (NM_001204255.2).
Identifiers: ClinVar variation 834448 (VCV000834448.7), dbSNP rs1733107604, ClinGen allele CA916082646.

ClinVar aggregate classification (germline): Uncertain significance (1 of 4 stars; one submission).

Conditions:
Progressive myoclonic epilepsy. Also called: Familial progressive myoclonic epilepsy; Myoclonic Epilepsies, Progressive; Myoclonus epilepsy; Progressive myoclonus epilepsy. Identifiers: Orphanet 308, Orphanet 98261, MedGen C0751778, MONDO:0020074.

Submission:

Labcorp Genetics (formerly Invitae), Labcorp
Classification: Uncertain significance for Progressive myoclonic epilepsy. Last evaluated: 2019-10-29. Review status: criteria provided, single submitter. Criteria: Invitae Variant Classification Sherloc (09022015). Collection method: clinical testing. Allele origin: germline.
Comment: This sequence change falls in intron 1 of the SCARB2 gene. It does not directly change the encoded amino acid sequence of the SCARB2 protein, but it affects a nucleotide within the consensus splice site of the intron. This variant is not present in population databases (ExAC no frequency). This variant has not been reported in the literature in individuals with SCARB2-related conditions. Nucleotide substitutions within the consensus splice site are a relatively common cause of aberrant splicing (PMID: 17576681, 9536098). Algorithms developed to predict the effect of sequence changes on RNA splicing suggest that this variant is not likely to affect RNA splicing, but this prediction has not been confirmed by published transcriptional studies. In summary, the available evidence is currently insufficient to determine the role of this variant in disease. Therefore, it has been classified as a Variant of Uncertain Significance.

Literature cited by the submitters: PubMed 17576681; PubMed 9536098.